The following is an entry in ClinVar:

NM_004281.4(BAG3):c.714G>A (p.Gly238=)

Gene: BAG3 (BAG cochaperone 3; plus strand). Cytogenetic location: 10q26.11.
Variant type: single nucleotide variant.
Coding change: c.714G>A on transcript NM_004281.4 (MANE Select); coding-DNA position 714, G replaced by A.
Protein change: p.Gly238=; no amino-acid change (glycine 238 retained).
Molecular consequence: synonymous variant.
Genome position (GRCh38, 1-based): chr10:119,672,461, G>A. VCF-style: chr10-119672461-G-A. GRCh37 (hg19) VCF-style: chr10-121431973-G-A.
Other names: c.714G>A (NM_004281.3).
Identifiers: ClinVar variation 1134961 (VCV001134961.34), dbSNP rs377183466, ClinGen allele CA5716400.

ClinVar aggregate classification (germline): Likely benign. Review status: criteria provided, multiple submitters, no conflicts (2 of 4 stars). 4 submissions from 4 submitters: Likely benign (4). Last evaluated 2025-09-17.

Conditions:
Dilated cardiomyopathy 1HH (CMD1HH). Identifiers: Orphanet 154, MedGen C3151293, MONDO:0013479, OMIM 613881.
Myofibrillar myopathy 6. Identifiers: Orphanet 199340, MedGen C2751831, MONDO:0013061, OMIM 612954.
Cardiovascular phenotype. Identifiers: MedGen CN230736.

Allele frequency attached by ClinVar (database versions not stated): TOPMed 0.00001; gnomAD exomes 0.00002; ExAC 0.00003; ESP Exome Variant Server 0.00008.
gnomAD v4.1: 25 of 1,614,202 alleles (0.0015%); highest among the groups gnomAD compares: Non-Finnish European, 0.0019%; no homozygotes.

Submissions (4):

Ambry Genetics
Classification: Likely benign for Cardiovascular phenotype. Last evaluated: 2025-09-17. Review status: criteria provided, single submitter. Criteria: Ambry Variant Classification Scheme 2023. Collection method: clinical testing. Allele origin: germline.

Labcorp Genetics (formerly Invitae), Labcorp
Classification: Likely benign for Dilated cardiomyopathy 1HH; Myofibrillar myopathy 6. Last evaluated: 2025-08-24. Review status: criteria provided, single submitter. Criteria: Invitae Variant Classification Sherloc (09022015). Collection method: clinical testing. Allele origin: germline.

Blueprint Genetics
Classification: Likely benign. Last evaluated: 2024-10-10. Review status: criteria provided, single submitter. Criteria: ACMG Guidelines, 2015. Collection method: clinical testing. Allele origin: germline.

CeGaT Center for Human Genetics Tuebingen
Classification: Likely benign. Last evaluated: 2023-08-01. Review status: criteria provided, single submitter. Criteria: CeGaT Center For Human Genetics Tuebingen Variant Classification Criteria Version 2. Collection method: clinical testing. Allele origin: germline. Affected: yes. Observed: 1 variant allele.
Comment: BAG3: BP4, BP7